The following is an entry in ClinVar:

ClinVar aggregate classification (germline): Likely pathogenic (1 of 4 stars; one submission).

Allele frequency attached by ClinVar (database versions not stated): gnomAD exomes below 0.00001.
gnomAD v4.1: 3 of 1,609,814 alleles (0.00019%); highest among the groups gnomAD compares: East Asian, 0.0022%; no homozygotes.

Submission:

Labcorp Genetics (formerly Invitae), Labcorp
Classification: Likely pathogenic. Last evaluated: 2023-08-02. Review status: criteria provided, single submitter. Criteria: Invitae Variant Classification Sherloc (09022015). Collection method: clinical testing. Allele origin: germline.
Comment: In summary, the currently available evidence indicates that the variant is pathogenic, but additional data are needed to prove that conclusively. Therefore, this variant has been classified as Likely Pathogenic. Algorithms developed to predict the effect of sequence changes on RNA splicing suggest that this variant may disrupt the consensus splice site. This variant has not been reported in the literature in individuals affected with SLC5A5-related conditions. This variant is not present in population databases (gnomAD no frequency). This sequence change affects an acceptor splice site in intron 1 of the SLC5A5 gene. It is expected to disrupt RNA splicing. Variants that disrupt the donor or acceptor splice site typically lead to a loss of protein function (PMID: 16199547), and loss-of-function variants in SLC5A5 are known to be pathogenic (PMID: 9388506, 9486973).

Literature cited by the submitters: PubMed 16199547; PubMed 9388506; PubMed 9486973.

NM_000453.3(SLC5A5):c.358-2A>G

Gene: SLC5A5 (solute carrier family 5 member 5; plus strand). Cytogenetic location: 19p13.11.
Variant type: single nucleotide variant.
Coding change: c.358-2A>G on transcript NM_000453.3 (MANE Select); the canonical splice acceptor site of the intron before coding-DNA position 358, A replaced by G.
Molecular consequence: splice acceptor variant.
Genome position (GRCh38, 1-based): chr19:17,874,136, A>G. VCF-style: chr19-17874136-A-G. GRCh37 (hg19) VCF-style: chr19-17984945-A-G.
Identifiers: ClinVar variation 2877208 (VCV002877208.3), dbSNP rs2514615050, ClinGen allele CA404782294.
Genomic context (GRCh38, chr19:17,874,136, plus strand): 5'-ACCCGAGAGGCCTCGGCTCCTGGGTAAGGACTGTCCAGGTGACCTCGAGTCCCTCCTTGC[A>G]GTACCTGGAGATGCGCTTCAGCCGCGCAGTGCGGCTCTGCGGGACTTTGCAGTACATTGT-3'